The following is an entry in ClinVar:

NM_001174147.2(LMX1B):c.448C>G (p.Leu150Val)

Gene: LMX1B (LIM homeobox transcription factor 1 beta; plus strand). Cytogenetic location: 9q33.3.
Variant type: single nucleotide variant.
Coding change: c.448C>G on transcript NM_001174147.2 (MANE Select); coding-DNA position 448, C replaced by G.
Protein change: p.Leu150Val; replaces leucine 150 with valine.
Molecular consequence: missense variant.
Genome position (GRCh38, 1-based): chr9:126,690,957, C>G. VCF-style: chr9-126690957-C-G. GRCh37 (hg19) VCF-style: chr9-129453236-C-G.
Other names: c.448C>G, p.Leu150Val (NM_001174146.2, NM_002316.4); short protein forms L150V.
Identifiers: ClinVar variation 1059664 (VCV001059664.9), dbSNP rs2118987049, ClinGen allele CA374912513.

ClinVar aggregate classification (germline): Uncertain significance (1 of 4 stars; one submission).

Submission:

Labcorp Genetics (formerly Invitae), Labcorp
Classification: Uncertain significance. Last evaluated: 2022-06-20. Review status: criteria provided, single submitter. Criteria: Invitae Variant Classification Sherloc (09022015). Collection method: clinical testing. Allele origin: germline.
Comment: In summary, the available evidence is currently insufficient to determine the role of this variant in disease. Therefore, it has been classified as a Variant of Uncertain Significance. This variant disrupts the p.Leu150 amino acid residue in LMX1B. Other variant(s) that disrupt this residue have been observed in individuals with LMX1B-related conditions (PMID: 19194568), which suggests that this may be a clinically significant amino acid residue. Algorithms developed to predict the effect of sequence changes on RNA splicing suggest that this variant may create or strengthen a splice site. Algorithms developed to predict the effect of missense changes on protein structure and function are either unavailable or do not agree on the potential impact of this missense change (SIFT: "Deleterious"; PolyPhen-2: "Probably Damaging"; Align-GVGD: "Class C0"). ClinVar contains an entry for this variant (Variation ID: 1059664). This missense change has been observed in individual(s) with nail-patella syndrome (Invitae). This variant is not present in population databases (gnomAD no frequency). This sequence change replaces leucine, which is neutral and non-polar, with valine, which is neutral and non-polar, at codon 150 of the LMX1B protein (p.Leu150Val).

Literature cited by the submitters: PubMed 19194568.